The following is an entry in ClinVar:

NM_172362.3(KCNH1):c.2771C>A (p.Ala924Asp)

Gene: KCNH1 (potassium voltage-gated channel subfamily H member 1; minus strand). Cytogenetic location: 1q32.2.
Variant type: single nucleotide variant.
Coding change: c.2771C>A on transcript NM_172362.3 (MANE Select); coding-DNA position 2771, C replaced by A.
Protein change: p.Ala924Asp; replaces alanine 924 with aspartic acid.
Molecular consequence: missense variant.
Genome position (GRCh38, 1-based): chr1:210,683,480, G>T on the plus strand (C>A on the coding strand, the complement: KCNH1 is on the minus strand). VCF-style: chr1-210683480-G-T. GRCh37 (hg19) VCF-style: chr1-210856822-G-T.
Other names: c.2690C>A, p.Ala897Asp (NM_002238.4); short protein forms A924D, A897D.
Identifiers: ClinVar variation 2826373 (VCV002826373.3), dbSNP rs2546369142, ClinGen allele CA344870463.
Genomic context (GRCh38, chr1:210,683,480, plus strand): 5'-ATTTTGGCGTTTAAGGCCTTGATGTCCTCCTTCAGCTCGTGCCTCACCTCCAGGACTGTG[G>T]CCTGCAGCGTCTGCTCAGGGATGGGGTAGAACGAATGCTTGACCTCTGCCAGGATGGGAC-3'
Protein context (NP_758872.1, residues 914-934): FYPIPEQTLQ[Ala924Asp]TVLEVRHELK

ClinVar aggregate classification (germline): Uncertain significance (1 of 4 stars; one submission).

Allele frequency attached by ClinVar (database versions not stated): gnomAD exomes below 0.00001.
gnomAD v4.1: 2 of 1,614,170 alleles (0.00012%); highest among the groups gnomAD compares: Non-Finnish European, 0.00017%; no homozygotes.

Submission:

Labcorp Genetics (formerly Invitae), Labcorp
Classification: Uncertain significance. Last evaluated: 2023-01-05. Review status: criteria provided, single submitter. Criteria: Invitae Variant Classification Sherloc (09022015). Collection method: clinical testing. Allele origin: germline.
Comment: In summary, the available evidence is currently insufficient to determine the role of this variant in disease. Therefore, it has been classified as a Variant of Uncertain Significance. Advanced modeling of protein sequence and biophysical properties (such as structural, functional, and spatial information, amino acid conservation, physicochemical variation, residue mobility, and thermodynamic stability) has been performed at Invitae for this missense variant, however the output from this modeling did not meet the statistical confidence thresholds required to predict the impact of this variant on KCNH1 protein function. This variant has not been reported in the literature in individuals affected with KCNH1-related conditions. This variant is not present in population databases (gnomAD no frequency). This sequence change replaces alanine, which is neutral and non-polar, with aspartic acid, which is acidic and polar, at codon 924 of the KCNH1 protein (p.Ala924Asp).